The following is an entry in ClinVar:

NM_015192.4(PLCB1):c.3364G>A (p.Glu1122Lys)

Gene: PLCB1 (phospholipase C beta 1; plus strand). Cytogenetic location: 20p12.3.
Variant type: single nucleotide variant.
Coding change: c.3364G>A on transcript NM_015192.4 (MANE Select); coding-DNA position 3364, G replaced by A.
Protein change: p.Glu1122Lys; replaces glutamic acid 1122 with lysine.
Molecular consequence: missense variant.
Genome position (GRCh38, 1-based): chr20:8,790,202, G>A. VCF-style: chr20-8790202-G-A. GRCh37 (hg19) VCF-style: chr20-8770849-G-A.
Other names: c.3364G>A, p.Glu1122Lys (NM_182734.3); short protein forms E1122K.
Identifiers: ClinVar variation 2740432 (VCV002740432.3), dbSNP rs2514449299, ClinGen allele CA408210065.
Genomic context (GRCh38, chr20:8,790,202, plus strand): 5'-ATGAAAGTAATGTTTCTTGTAACTTTCTTATAGCTAGAAGAAGCGCAAAGTAAACGGCAA[G>A]AAAAACTCGTAGAGAAACACAAGGAAATACGTCAGCAGATCCTGGATGAAAAGCCCAAGG-3'
Protein context (NP_056007.1, residues 1112-1132): RLEEAQSKRQ[Glu1122Lys]KLVEKHKEIR

ClinVar aggregate classification (germline): Uncertain significance (1 of 4 stars; one submission).

Conditions:
Developmental and epileptic encephalopathy, 12 (DEE12). Identifiers: MedGen C3150988, MONDO:0013389, OMIM 613722.

Submission:

Labcorp Genetics (formerly Invitae), Labcorp
Classification: Uncertain significance for Developmental and epileptic encephalopathy, 12. Last evaluated: 2023-07-27. Review status: criteria provided, single submitter. Criteria: Invitae Variant Classification Sherloc (09022015). Collection method: clinical testing. Allele origin: germline.
Comment: In summary, the available evidence is currently insufficient to determine the role of this variant in disease. Therefore, it has been classified as a Variant of Uncertain Significance. Advanced modeling of protein sequence and biophysical properties (such as structural, functional, and spatial information, amino acid conservation, physicochemical variation, residue mobility, and thermodynamic stability) performed at Invitae indicates that this missense variant is not expected to disrupt PLCB1 protein function. This variant has not been reported in the literature in individuals affected with PLCB1-related conditions. This variant is not present in population databases (gnomAD no frequency). This sequence change replaces glutamic acid, which is acidic and polar, with lysine, which is basic and polar, at codon 1122 of the PLCB1 protein (p.Glu1122Lys).